The following is an entry in ClinVar:

NM_017784.5(OSBPL10):c.1116G>C (p.Leu372Phe)

Gene: OSBPL10 (oxysterol binding protein like 10; minus strand). Cytogenetic location: 3p23.
Variant type: single nucleotide variant.
Coding change: c.1116G>C on transcript NM_017784.5 (MANE Select); coding-DNA position 1116, G replaced by C.
Protein change: p.Leu372Phe; replaces leucine 372 with phenylalanine.
Molecular consequence: missense variant.
Genome position (GRCh38, 1-based): chr3:31,702,488, C>G on the plus strand (G>C on the coding strand, the complement: OSBPL10 is on the minus strand). VCF-style: chr3-31702488-C-G. GRCh37 (hg19) VCF-style: chr3-31743980-C-G.
Other names: c.924G>C, p.Leu308Phe (NM_001174060.2); short protein forms L372F, L308F.
Identifiers: ClinVar variation 2607947 (VCV002607947.2), dbSNP rs373262269, ClinGen allele CA72718017.

ClinVar aggregate classification (germline): Uncertain significance (1 of 4 stars; one submission).

gnomAD v4.1: 1 of 1,614,164 alleles (0.000062%); highest among the groups gnomAD compares: East Asian, 0.0022%; no homozygotes.

Submission:

Ambry Genetics
Classification: Uncertain significance. Last evaluated: 2023-06-29. Review status: criteria provided, single submitter. Criteria: Ambry Variant Classification Scheme 2023. Collection method: clinical testing. Allele origin: germline.
Comment: Does not currently meet published gene-disease clinical validity criteria Based on insufficient or conflicting evidence, the clinical significance of this alteration remains unclear.

Literature cited by the submitters: PubMed 28106320.